The following is an entry in ClinVar:

NM_000174.5(GP9):c.305_313del (p.Asp102_Pro105delinsAla)

Gene: GP9 (glycoprotein IX platelet; plus strand). Cytogenetic location: 3q21.3.
Variant type: Deletion.
Coding change: c.305_313del on transcript NM_000174.5 (MANE Select); coding-DNA positions 305 to 313, 9 bases deleted (ACCGCACGC; older notation c.305_313delACCGCACGC).
Protein change: p.Asp102_Pro105delinsAla.
Molecular consequence: inframe indel.
Genome position (GRCh38, 1-based): chr3:129,062,044-129,062,052, ACCGCACGC deleted. VCF-style (leftmost placement, unchanged base first): chr3-129062043-GACCGCACGC-G. GRCh37 (hg19) VCF-style: chr3-128780886-GACCGCACGC-G.
Other names: NM_000174.5:c.305_313del.
Identifiers: ClinVar variation 3775051 (VCV003775051.1).
Genomic context (GRCh38, chr3:129,062,043, plus strand): 5'-GTGACGCAGAACCCCTGGCACTGTGACTGCAGCCTCACCTATCTGCGCCTCTGGCTGGAG[GACCGCACGC>G]CCGAGGCCCTGCTGCAGGTCCGCTGTGCCAGCCCCAGCCTCGCTGCCCATGGCCCGCTGG-3'

ClinVar aggregate classification (germline): Likely pathogenic (3 of 4 stars; one submission).

Conditions:
Bernard Soulier syndrome (BSS). Also called: GLYCOPROTEIN Ib, PLATELET, DEFICIENCY OF; PLATELET GLYCOPROTEIN Ib DEFICIENCY; VON WILLEBRAND FACTOR RECEPTOR DEFICIENCY; Giant platelet syndrome; Hemorrhagiparous thrombocytic dystrophy; Giant platelet disease. Identifiers: Orphanet 274, MedGen C0005129, MeSH D001606, MONDO:0009276, OMIM 231200.

Submission:

ClinGen Platelet Disorders Variant Curation Expert Panel, ClinGen
Classification: Likely pathogenic for Bernard Soulier syndrome. Last evaluated: 2025-02-11. Review status: reviewed by expert panel. Criteria: ClinGen Platelet ACMG Specifications GP9 V1.0.0. Collection method: curation. Allele origin: germline. Inheritance: Autosomal recessive inheritance.
Comment: The NM_000174.5(GP9):c.305_313del (p.Asp102_Pro105delinsAla) deletion variant is predicted to cause a change in the length of the protein due to an in-frame replacement of 3 amino acids with 1 amino acid in a non-repeat region (PM4). The Grpmax filtering allele frequency in gnomaDv4.1 is 0.000003590 (based on 9/1179800 alleles) in the European (non-Finnish) population, which is below the <0.0000329 threshold for PM2_supporting. At least one patient (case in PMID:15609295) with this variant had aggregation absent for ristocetin and present for all other agonists, which is highly specific for Bernard-Soulier syndrome (PP4). There was ~9% of GP9 expression compared to controls. Additionally, the patient had excessive mucocutaneous bleeding and macrothrombocytopenia which are consistent with Bernard-Soulier syndrome. The patient in PMID: 15609295 is compound heterozygous with Pathogenic variant Asn61Ser (reported as Asn45Ser) confirmed in trans by parental testing (PM3). In summary, this variant meets the criteria to be classified as Likely Pathogenic for autosomal recessive Bernard-Soulier syndrome based on the ACMG/AMP criteria applied, as specified by the ClinGen PD VCEP: PM4, PM2_supporting, PP4, PM3.